The following is an entry in ClinVar:

NM_213720.3(CHCHD10):c.48A>C (p.Pro16=)

Gene: CHCHD10 (coiled-coil-helix-coiled-coil-helix domain containing 10; minus strand). Cytogenetic location: 22q11.23.
Variant type: single nucleotide variant.
Coding change: c.48A>C on transcript NM_213720.3 (MANE Select); coding-DNA position 48, A replaced by C.
Protein change: p.Pro16=; no amino-acid change (proline 16 retained).
Molecular consequence: synonymous variant.
Genome position (GRCh38, 1-based): chr22:23,767,587, T>G on the plus strand (A>C on the coding strand, the complement: CHCHD10 is on the minus strand). VCF-style: chr22-23767587-T-G. GRCh37 (hg19) VCF-style: chr22-24109774-T-G.
Other names: p.Pro16=; c.48A>C, p.Pro16= (NM_001301339.2).
Identifiers: ClinVar variation 379951 (VCV000379951.20), dbSNP rs179468, ClinGen allele CA10145317.

ClinVar aggregate classification (germline): Benign. Review status: criteria provided, multiple submitters, no conflicts (2 of 4 stars). 10 submissions from 8 submitters: Benign (7). 3 of the submissions do not count toward it. Last evaluated 2026-02-04.

Conditions:
Lower motor neuron syndrome with late-adult onset (SMAJ). Also called: Late-Onset Spinal Motor Neuronopathy (SMAJ); Spinal muscular atrophy, Jokela type. Identifiers: Orphanet 276435, MedGen C3554398, MONDO:0014025, OMIM 615048.
Autosomal dominant mitochondrial myopathy with exercise intolerance (IMMD). Also called: Myopathy, isolated mitochondrial, autosomal dominant. Identifiers: Orphanet 457050, MedGen C4015513, MONDO:0014532, OMIM 616209.
Frontotemporal dementia and/or amyotrophic lateral sclerosis 2. Also called: FTDALS2. Identifiers: Orphanet 275872, MedGen C4014648, MONDO:0014395, OMIM 615911.

Allele frequency attached by ClinVar (database versions not stated): 1000 Genomes Project 0.87580; TOPMed 0.90827; gnomAD 0.91291; ExAC 0.82171; gnomAD exomes 0.88987 and 0.80788; 1000 Genomes Project 30x 0.87992.
gnomAD v4.1: 1,016,425 of 1,138,796 alleles (89%); highest among the groups gnomAD compares: African/African-American, 97%; 455,035 homozygotes.

Submissions (10):

Labcorp Genetics (formerly Invitae), Labcorp
Classification: Benign for Lower motor neuron syndrome with late-adult onset; Frontotemporal dementia and/or amyotrophic lateral sclerosis 2; Autosomal dominant mitochondrial myopathy with exercise intolerance. Last evaluated: 2026-02-04. Review status: criteria provided, single submitter. Criteria: Invitae Variant Classification Sherloc (09022015). Collection method: clinical testing. Allele origin: germline.

Mayo Clinic Laboratories, Mayo Clinic
Classification: Benign. Last evaluated: 2022-10-27. Review status: criteria provided, single submitter. Criteria: ACMG Guidelines, 2015. Collection method: clinical testing. Allele origin: germline. Observed: 2,946 variant alleles.

Genome-Nilou Lab
Classification: Benign for Autosomal dominant mitochondrial myopathy with exercise intolerance. Last evaluated: 2021-07-22. Review status: criteria provided, single submitter. Criteria: ACMG Guidelines, 2015. Collection method: clinical testing. Allele origin: germline. Affected: no.

Genome-Nilou Lab
Classification: Benign for Frontotemporal dementia and/or amyotrophic lateral sclerosis 2. Last evaluated: 2021-07-22. Review status: criteria provided, single submitter. Criteria: ACMG Guidelines, 2015. Collection method: clinical testing. Allele origin: germline. Affected: no.

Genome-Nilou Lab
Classification: Benign for Lower motor neuron syndrome with late-adult onset. Last evaluated: 2021-07-22. Review status: criteria provided, single submitter. Criteria: ACMG Guidelines, 2015. Collection method: clinical testing. Allele origin: germline. Affected: no.

GeneDx
Classification: Benign. Last evaluated: 2016-02-03. Review status: criteria provided, single submitter. Criteria: GeneDx Variant Classification (06012015). Collection method: clinical testing. Allele origin: germline. Affected: yes.
Comment: This variant is considered likely benign or benign based on one or more of the following criteria: it is a conservative change, it occurs at a poorly conserved position in the protein, it is predicted to be benign by multiple in silico algorithms, and/or has population frequency not consistent with disease.

Breakthrough Genomics
Classification: Benign. Review status: criteria provided, single submitter. Criteria: ACMG Guidelines, 2015. Collection method: not provided. Allele origin: germline. Inheritance: Autosomal dominant inheritance. Affected: yes.

Clinical Genetics, Academic Medical Center
Classification: Benign. Review status: no assertion criteria provided. Collection method: clinical testing. Allele origin: germline. Affected: yes. Study: VKGL Data-share Consensus. Not counted in ClinVar's aggregate classification.

Genome Diagnostics Laboratory, Amsterdam University Medical Center
Classification: Benign. Review status: no assertion criteria provided. Collection method: clinical testing. Allele origin: germline. Affected: yes. Study: VKGL Data-share Consensus. Not counted in ClinVar's aggregate classification.

Joint Genome Diagnostic Labs from Nijmegen and Maastricht, Radboudumc and MUMC+
Classification: Benign. Review status: no assertion criteria provided. Collection method: clinical testing. Allele origin: germline. Affected: yes. Study: VKGL Data-share Consensus. Not counted in ClinVar's aggregate classification.